The following is an entry in ClinVar:

ClinVar aggregate classification (germline): Pathogenic (1 of 4 stars; one submission).

Conditions:
Cerebral cavernous malformation 2. Also called: Familial Cerebral Cavernous Malformation 2. Identifiers: Orphanet 221061, MedGen C1864041, MONDO:0011304, OMIM 603284.

Submission:

Labcorp Genetics (formerly Invitae), Labcorp
Classification: Pathogenic for Cerebral cavernous malformation 2. Last evaluated: 2025-03-05. Review status: criteria provided, single submitter. Criteria: Invitae Variant Classification Sherloc (09022015). Collection method: clinical testing. Allele origin: germline.
Comment: This sequence change creates a premature translational stop signal (p.Leu212Argfs*2) in the CCM2 gene. It is expected to result in an absent or disrupted protein product. Loss-of-function variants in CCM2 are known to be pathogenic (PMID: 18300272, 24689081). This variant is not present in population databases (gnomAD no frequency). This variant has not been reported in the literature in individuals affected with CCM2-related conditions. For these reasons, this variant has been classified as Pathogenic.

Literature cited by the submitters: PubMed 18300272; PubMed 24689081.

NM_031443.4(CCM2):c.635del (p.Leu212fs)

Gene: CCM2 (CCM2 scaffold protein; plus strand). Cytogenetic location: 7p13.
Variant type: Deletion.
Coding change: c.635del on transcript NM_031443.4 (MANE Select); coding-DNA position 635, one base deleted (T; older notation c.635delT).
Protein change: p.Leu212fs; shifts the reading frame from leucine 212.
Molecular consequence: frameshift variant. On other transcripts: non-coding transcript variant (1), intron variant (1).
Genome position (GRCh38, 1-based): chr7:45,069,851, T deleted. VCF-style (leftmost placement, unchanged base first): chr7-45069850-CT-C. GRCh37 (hg19) VCF-style: chr7-45109449-CT-C.
Other names: c.698del, p.Leu233fs (NM_001029835.2); c.461del, p.Leu154fs (NM_001167934.2, NM_001363459.2); c.635del, p.Leu212fs (NM_001363458.2); c.473-2875del (NM_001167935.2); short protein forms L154fs, L212fs, L233fs.
Identifiers: ClinVar variation 3656735 (VCV003656735.2).